The following is an entry in ClinVar:

NM_032436.4(CHAMP1):c.1596C>T (p.Pro532=)

Gene: CHAMP1 (chromosome alignment maintaining phosphoprotein 1; plus strand). Cytogenetic location: 13q34.
Variant type: single nucleotide variant.
Coding change: c.1596C>T on transcript NM_032436.4 (MANE Select); coding-DNA position 1596, C replaced by T.
Protein change: p.Pro532=; no amino-acid change (proline 532 retained).
Molecular consequence: synonymous variant.
Genome position (GRCh38, 1-based): chr13:114,325,438, C>T. VCF-style: chr13-114325438-C-T. GRCh37 (hg19) VCF-style: chr13-115090913-C-T.
Other names: c.1596C>T (NM_032436.2, NM_001164145.2); c.1596C>T, p.Pro532= (NM_001164144.3, NM_001164145.3).
Identifiers: ClinVar variation 3025832 (VCV003025832.23), dbSNP rs781893314, ClinGen allele CA7070838.

ClinVar aggregate classification (germline): Likely benign. Review status: criteria provided, multiple submitters, no conflicts (2 of 4 stars). 3 submissions from 3 submitters: Likely benign (2). 1 of the submissions does not count toward it. Last evaluated 2026-04-06.

Conditions:
CHAMP1-related disorder. Also called: CHAMP1-related condition.
Inborn genetic diseases. Identifiers: MedGen C0950123, MeSH D030342.

Allele frequency attached by ClinVar (database versions not stated): gnomAD exomes 0.00002.
gnomAD v4.1: 32 of 1,613,942 alleles (0.002%); highest among the groups gnomAD compares: Middle Eastern, 0.016%; no homozygotes.

Submissions (3):

Ambry Genetics
Classification: Likely benign for Inborn genetic diseases. Last evaluated: 2026-04-06. Review status: criteria provided, single submitter. Criteria: Ambry Variant Classification Scheme 2023. Collection method: clinical testing. Allele origin: germline.

CeGaT Center for Human Genetics Tuebingen
Classification: Likely benign. Last evaluated: 2023-12-01. Review status: criteria provided, single submitter. Criteria: CeGaT Center For Human Genetics Tuebingen Variant Classification Criteria Version 2. Collection method: clinical testing. Allele origin: germline. Affected: yes. Observed: 1 variant allele.
Comment: CHAMP1: BP4, BP7

PreventionGenetics, part of Exact Sciences
Classification: Likely benign for CHAMP1-related condition. Last evaluated: 2024-09-24. Review status: no assertion criteria provided. Collection method: clinical testing. Allele origin: germline. Not counted in ClinVar's aggregate classification.
Comment: This variant is classified as likely benign based on ACMG/AMP sequence variant interpretation guidelines (Richards et al. 2015 PMID: 25741868, with internal and published modifications).